The following is an entry in ClinVar:

ClinVar aggregate classification (germline): Pathogenic (1 of 4 stars; one submission).

Conditions:
Dyskeratosis congenita. Identifiers: Orphanet 1775, MedGen C0265965, MONDO:0015780.

Submission:

Labcorp Genetics (formerly Invitae), Labcorp
Classification: Pathogenic for Dyskeratosis congenita. Last evaluated: 2026-01-10. Review status: criteria provided, single submitter. Criteria: Invitae Variant Classification Sherloc (09022015). Collection method: clinical testing. Allele origin: germline.
Comment: This sequence change creates a premature translational stop signal (p.Gln682*) in the CTC1 gene. It is expected to result in an absent or disrupted protein product. Loss-of-function variants in CTC1 are known to be pathogenic (PMID: 22267198, 22387016). This variant is not present in population databases (gnomAD no frequency). This variant has not been reported in the literature in individuals affected with CTC1-related conditions. For these reasons, this variant has been classified as Pathogenic.

Literature cited by the submitters: PubMed 22267198; PubMed 22387016.

NM_025099.6(CTC1):c.2044C>T (p.Gln682Ter)

Gene: CTC1 (CST telomere replication complex component 1; minus strand). Cytogenetic location: 17p13.1.
Variant type: single nucleotide variant.
Coding change: c.2044C>T on transcript NM_025099.6 (MANE Select); coding-DNA position 2044, C replaced by T.
Protein change: p.Gln682Ter; replaces glutamine 682 with a stop codon.
Molecular consequence: nonsense. On other transcripts: non-coding transcript variant (1).
Genome position (GRCh38, 1-based): chr17:8,232,377, G>A on the plus strand (C>T on the coding strand, the complement: CTC1 is on the minus strand). VCF-style: chr17-8232377-G-A. GRCh37 (hg19) VCF-style: chr17-8135695-G-A.
Other names: c.2044C>T, p.Gln682Ter (NM_001411067.1); short protein forms Q682*.
Identifiers: ClinVar variation 4804258 (VCV004804258.1).
Genomic context (GRCh38, chr17:8,232,377, plus strand): 5'-CCTTCCCCCCAGACTCAAGACAACCATGACCCCAAGGAGCCAACCTGGCCTGCTGCTTCT[G>A]GATGAAGCCTGGCATGCTCAGCTCCTTCCAGGAAGGGAAGCTGCTTCTCACGTCCCTCTC-3'